The following is an entry in ClinVar:

NM_001363711.2(DUOX2):c.4080+6C>T

Gene: DUOX2 (dual oxidase 2; minus strand). Cytogenetic location: 15q21.1.
Variant type: single nucleotide variant.
Coding change: c.4080+6C>T on transcript NM_001363711.2 (MANE Select); 6 bases into the intron after coding-DNA position 4080, C replaced by T.
Molecular consequence: intron variant.
Genome position (GRCh38, 1-based): chr15:45,095,822, G>A on the plus strand (C>T on the coding strand, the complement: DUOX2 is on the minus strand). VCF-style: chr15-45095822-G-A. GRCh37 (hg19) VCF-style: chr15-45388020-G-A.
Other names: c.4080+6C>T (NM_014080.5).
Identifiers: ClinVar variation 885878 (VCV000885878.8), dbSNP rs747176882, ClinGen allele CA7537650.

ClinVar aggregate classification (germline): Uncertain significance. Review status: criteria provided, multiple submitters, no conflicts (2 of 4 stars). 2 submissions from 2 submitters: Uncertain significance (2). Last evaluated 2025-09-23.

Conditions:
Thyroid dyshormonogenesis 6 (TDH6). Also called: HYPOTHYROIDISM, CONGENITAL, DUE TO DYSHORMONOGENESIS, 6; THYROID HORMONOGENESIS, GENETIC DEFECT IN, 6; Genetic transient congenital hypothyroidism. Identifiers: Orphanet 226316, Orphanet 95716, MedGen C1846632, MONDO:0011792, OMIM 607200.

Allele frequency attached by ClinVar (database versions not stated): gnomAD 0.00005 and 0.00007; TOPMed 0.00005; gnomAD exomes 0.00011; ExAC 0.00014.
gnomAD v4.1: 115 of 1,612,288 alleles (0.0071%); highest among the groups gnomAD compares: Non-Finnish European, 0.0081%; no homozygotes.

Submissions (2):

Labcorp Genetics (formerly Invitae), Labcorp
Classification: Uncertain significance. Last evaluated: 2025-09-23. Review status: criteria provided, single submitter. Criteria: Invitae Variant Classification Sherloc (09022015). Collection method: clinical testing. Allele origin: germline.
Comment: This sequence change falls in intron 30 of the DUOX2 gene. It does not directly change the encoded amino acid sequence of the DUOX2 protein. It affects a nucleotide within the consensus splice site. This variant is present in population databases (rs747176882, gnomAD 0.02%). This variant has not been reported in the literature in individuals affected with DUOX2-related conditions. ClinVar contains an entry for this variant (Variation ID: 885878). Variants that disrupt the consensus splice site are a relatively common cause of aberrant splicing (PMID: 17576681, 9536098). Algorithms developed to predict the effect of sequence changes on RNA splicing suggest that this variant is not likely to affect RNA splicing. In summary, the available evidence is currently insufficient to determine the role of this variant in disease. Therefore, it has been classified as a Variant of Uncertain Significance.

Illumina Laboratory Services, Illumina
Classification: Uncertain significance for Thyroid dyshormonogenesis 6. Last evaluated: 2018-01-12. Review status: criteria provided, single submitter. Criteria: ICSL Variant Classification Criteria 13 December 2019. Collection method: clinical testing. Allele origin: germline.

Literature cited by the submitters: PubMed 17576681 (cited by Labcorp Genetics (formerly Invitae), Labcorp); PubMed 9536098 (cited by Labcorp Genetics (formerly Invitae), Labcorp).